The following is an entry in ClinVar:

ClinVar aggregate classification (germline): Uncertain significance. Review status: criteria provided, multiple submitters, no conflicts (2 of 4 stars). 3 submissions from 3 submitters: Uncertain significance (2). 1 of the submissions does not count toward it. Last evaluated 2024-11-19.

Conditions:
Hereditary cancer-predisposing syndrome. Also called: Neoplastic Syndromes, Hereditary; Tumor predisposition; Hereditary Cancer Syndrome; Hereditary neoplastic syndrome. Identifiers: Orphanet 140162, MedGen C0027672, MeSH D009386, MONDO:0015356.
Bloom syndrome (BLM). Also called: Bloom-Torre-Machacek syndrome. Identifiers: Orphanet 125, MedGen C0005859, MONDO:0008876, OMIM 210900.

Allele frequency attached by ClinVar (database versions not stated): gnomAD exomes below 0.00001.
gnomAD v4.1: 2 of 1,613,930 alleles (0.00012%); highest among the groups gnomAD compares: Non-Finnish European, 0.00017%; no homozygotes.

Submissions (3):

Labcorp Genetics (formerly Invitae), Labcorp
Classification: Uncertain significance for Bloom syndrome. Last evaluated: 2024-11-19. Review status: criteria provided, single submitter. Criteria: Invitae Variant Classification Sherloc (09022015). Collection method: clinical testing. Allele origin: germline.
Comment: This sequence change replaces serine, which is neutral and polar, with proline, which is neutral and non-polar, at codon 518 of the BLM protein (p.Ser518Pro). This variant is not present in population databases (gnomAD no frequency). This variant has not been reported in the literature in individuals affected with BLM-related conditions. ClinVar contains an entry for this variant (Variation ID: 819515). Invitae Evidence Modeling of protein sequence and biophysical properties (such as structural, functional, and spatial information, amino acid conservation, physicochemical variation, residue mobility, and thermodynamic stability) indicates that this missense variant is not expected to disrupt BLM protein function with a negative predictive value of 80%. In summary, the available evidence is currently insufficient to determine the role of this variant in disease. Therefore, it has been classified as a Variant of Uncertain Significance.

Ambry Genetics
Classification: Uncertain significance for Hereditary cancer-predisposing syndrome. Last evaluated: 2024-06-15. Review status: criteria provided, single submitter. Criteria: Ambry Variant Classification Scheme 2023. Collection method: clinical testing. Allele origin: germline.
Comment: The p.S518P variant (also known as c.1552T>C), located in coding exon 6 of the BLM gene, results from a T to C substitution at nucleotide position 1552. The serine at codon 518 is replaced by proline, an amino acid with similar properties. This amino acid position is not well conserved in available vertebrate species. In addition, this alteration is predicted to be tolerated by in silico analysis. Since supporting evidence is limited at this time, the clinical significance of this alteration remains unclear.

Natera, Inc.
Classification: Uncertain significance for Bloom syndrome. Last evaluated: 2018-09-29. Review status: no assertion criteria provided. Collection method: clinical testing. Allele origin: germline. Not counted in ClinVar's aggregate classification.

NM_000057.4(BLM):c.1552T>C (p.Ser518Pro)

Gene: BLM (BLM RecQ like helicase; plus strand). Cytogenetic location: 15q26.1.
Variant type: single nucleotide variant.
Coding change: c.1552T>C on transcript NM_000057.4 (MANE Select); coding-DNA position 1552, T replaced by C.
Protein change: p.Ser518Pro; replaces serine 518 with proline.
Molecular consequence: missense variant.
Genome position (GRCh38, 1-based): chr15:90,760,925, T>C. VCF-style: chr15-90760925-T-C. GRCh37 (hg19) VCF-style: chr15-91304155-T-C.
Other names: c.1552T>C, p.Ser518Pro (NM_001287246.2, NM_001287247.2); c.427T>C, p.Ser143Pro (NM_001287248.2); short protein forms S143P, S518P.
Identifiers: ClinVar variation 819515 (VCV000819515.18), dbSNP rs1596230139, ClinGen allele CA393843310.
Genomic context (GRCh38, chr15:90,760,925, plus strand): 5'-AAGTCCTTTGTAAGTAGCAACTGGGCTGAAACACCAAGACTAGGAAAAAAAAATGAAAGC[T>C]CTTATTTCCCAGGAAATGTTCTCACAAGCACTGCTGTGAAAGATCAGAATAAACATACTG-3'
Protein context (NP_000048.1, residues 508-528): TPRLGKKNES[Ser518Pro]YFPGNVLTST